The following is an entry in ClinVar:

ClinVar aggregate classification (germline): Pathogenic. Review status: criteria provided, multiple submitters, no conflicts (2 of 4 stars). 2 submissions from 2 submitters: Pathogenic (2). Last evaluated 2022-07-06.

Conditions:
PRPF31-related disorder. Also called: PRPF31-related condition.

Submissions (2):

Labcorp Genetics (formerly Invitae), Labcorp
Classification: Pathogenic. Last evaluated: 2022-07-06. Review status: criteria provided, single submitter. Criteria: Invitae Variant Classification Sherloc (09022015). Collection method: clinical testing. Allele origin: germline.
Comment: Algorithms developed to predict the effect of sequence changes on RNA splicing suggest that this variant may disrupt the consensus splice site. This sequence change affects an acceptor splice site in intron 5 of the PRPF31 gene. It is expected to disrupt RNA splicing. Variants that disrupt the donor or acceptor splice site typically lead to a loss of protein function (PMID: 16199547), and loss-of-function variants in PRPF31 are known to be pathogenic (PMID: 18317597, 23950152). This variant is not present in population databases (gnomAD no frequency). Disruption of this splice site has been observed in individuals with retinitis pigmentosa (PMID: 30718709; Invitae). ClinVar contains an entry for this variant (Variation ID: 866142). For these reasons, this variant has been classified as Pathogenic.

Blueprint Genetics
Classification: Pathogenic for PRPF31-related disorders. Last evaluated: 2022-04-22. Review status: criteria provided, single submitter. Criteria: ACMG Guidelines, 2015. Collection method: clinical testing. Allele origin: germline. Affected: yes. Observed: 3 variant alleles.

Literature cited by the submitters: PubMed 16199547 (cited by Labcorp Genetics (formerly Invitae), Labcorp); PubMed 18317597 (cited by Labcorp Genetics (formerly Invitae), Labcorp); PubMed 23950152 (cited by Labcorp Genetics (formerly Invitae), Labcorp); PubMed 30718709 (cited by Labcorp Genetics (formerly Invitae), Labcorp).

NM_015629.4(PRPF31):c.421-2A>C

Gene: PRPF31 (pre-mRNA processing factor 31; plus strand). Cytogenetic location: 19q13.42.
Variant type: single nucleotide variant.
Coding change: c.421-2A>C on transcript NM_015629.4 (MANE Select); the canonical splice acceptor site of the intron before coding-DNA position 421, A replaced by C.
Molecular consequence: splice acceptor variant.
Genome position (GRCh38, 1-based): chr19:54,123,452, A>C. VCF-style: chr19-54123452-A-C. GRCh37 (hg19) VCF-style: chr19-54626831-A-C.
Identifiers: ClinVar variation 866142 (VCV000866142.8), dbSNP rs1600340117, ClinGen allele CA407750162.